The following is an entry in ClinVar:

ClinVar aggregate classification (germline): Uncertain significance (1 of 4 stars; one submission).

Conditions:
Cardiovascular phenotype. Identifiers: MedGen CN230736.

Submission:

Ambry Genetics
Classification: Uncertain significance for Cardiovascular phenotype. Last evaluated: 2026-07-01. Review status: criteria provided, single submitter. Criteria: Ambry Variant Classification Scheme 2023. Collection method: clinical testing. Allele origin: germline.
Comment: The p.D3795V variant (also known as c.11384A>T), located in coding exon 26 of the APOB gene, results from an A to T substitution at nucleotide position 11384. The aspartic acid at codon 3795 is replaced by valine, an amino acid with highly dissimilar properties. This amino acid position is conserved. In addition, this alteration is predicted to be tolerated by in silico analysis. Based on the available evidence, the clinical significance of this variant remains unclear.

NM_000384.3(APOB):c.11384A>T (p.Asp3795Val)

Gene: APOB (apolipoprotein B; minus strand). Cytogenetic location: 2p24.1.
Variant type: single nucleotide variant.
Coding change: c.11384A>T on transcript NM_000384.3 (MANE Select); coding-DNA position 11384, A replaced by T.
Protein change: p.Asp3795Val; replaces aspartic acid 3795 with valine.
Molecular consequence: missense variant.
Genome position (GRCh38, 1-based): chr2:21,005,484, T>A on the plus strand (A>T on the coding strand, the complement: APOB is on the minus strand). VCF-style: chr2-21005484-T-A. GRCh37 (hg19) VCF-style: chr2-21228356-T-A.
Other names: short protein forms D3795V.
Identifiers: ClinVar variation 5027043 (VCV005027043.1), dbSNP rs1663102098.